The following is an entry in ClinVar:

NM_000268.4(NF2):c.1649A>C (p.Lys550Thr)

Gene: NF2 (NF2, moesin-ezrin-radixin like (MERLIN) tumor suppressor; plus strand). Cytogenetic location: 22q12.2.
Variant type: single nucleotide variant.
Coding change: c.1649A>C on transcript NM_000268.4 (MANE Select); coding-DNA position 1649, A replaced by C.
Protein change: p.Lys550Thr; replaces lysine 550 with threonine.
Molecular consequence: missense variant. On other transcripts: intron variant (3).
Genome position (GRCh38, 1-based): chr22:29,681,513, A>C. VCF-style: chr22-29681513-A-C. GRCh37 (hg19) VCF-style: chr22-30077502-A-C.
Other names: c.1535A>C, p.Lys512Thr (NM_001407053.1, NM_001407056.1); c.1526A>C, p.Lys509Thr (NM_001407054.1, NM_001407058.1, NM_181829.3); c.1523A>C, p.Lys508Thr (NM_001407055.1, NM_181828.3); c.1514A>C, p.Lys505Thr (NM_001407057.1, NM_001407059.1); c.1391A>C, p.Lys464Thr (NM_001407062.1); c.1400A>C, p.Lys467Thr (NM_001407063.1, NM_181830.3, NM_181831.3); c.1115A>C, p.Lys372Thr (NM_001407065.1); c.1649A>C, p.Lys550Thr (NM_001407066.1, NM_016418.5, NM_181825.3 and 1 more transcripts); and 4 more; short protein forms K473T, K509T, K372T, K464T, K467T, K508T, K550T, K505T.
Identifiers: ClinVar variation 3919159 (VCV003919159.1).
Genomic context (GRCh38, chr22:29,681,513, plus strand): 5'-AAAAGAGCAAGCATCTGCAGGAGCAGCTCAATGAACTCAAGACAGAAATCGAGGCCTTGA[A>C]ACTGAAAGAGAGGGAGACAGCTCTGGATATTCTGCACAATGAGAACTCCGACAGGGGTGG-3'
Protein context (NP_000259.1, residues 540-560): NELKTEIEAL[Lys550Thr]LKERETALDI

ClinVar aggregate classification (germline): Uncertain significance (1 of 4 stars; one submission).

Conditions:
Hereditary cancer-predisposing syndrome. Also called: Hereditary Cancer Syndrome; Hereditary neoplastic syndrome; Neoplastic Syndromes, Hereditary; Tumor predisposition. Identifiers: Orphanet 140162, MedGen C0027672, MeSH D009386, MONDO:0015356.

Submission:

Ambry Genetics
Classification: Uncertain significance for Hereditary cancer-predisposing syndrome. Last evaluated: 2025-05-20. Review status: criteria provided, single submitter. Criteria: Ambry Variant Classification Scheme 2023. Collection method: clinical testing. Allele origin: germline.
Comment: The p.K550T variant (also known as c.1649A>C), located in coding exon 15 of the NF2 gene, results from an A to C substitution at nucleotide position 1649. The lysine at codon 550 is replaced by threonine, an amino acid with similar properties. This amino acid position is conserved. In addition, the in silico prediction for this alteration is inconclusive. Based on the available evidence, the clinical significance of this variant remains unclear.